The following is an entry in ClinVar:

NM_006929.5(SKIC2):c.3208G>A (p.Glu1070Lys)

Gene: SKIC2 (SKI2 subunit of superkiller complex; plus strand). Cytogenetic location: 6p21.33.
Variant type: single nucleotide variant.
Coding change: c.3208G>A on transcript NM_006929.5 (MANE Select); coding-DNA position 3208, G replaced by A.
Protein change: p.Glu1070Lys; replaces glutamic acid 1070 with lysine.
Molecular consequence: missense variant.
Genome position (GRCh38, 1-based): chr6:31,968,898, G>A. VCF-style: chr6-31968898-G-A. GRCh37 (hg19) VCF-style: chr6-31936675-G-A.
Other names: c.3208G>A (NM_006929.4); short protein forms E1070K.
Identifiers: ClinVar variation 1492790 (VCV001492790.7), dbSNP rs141869095, ClinGen allele CA3730007.

ClinVar aggregate classification (germline): Uncertain significance. Review status: criteria provided, multiple submitters, no conflicts (2 of 4 stars). 2 submissions from 2 submitters: Uncertain significance (2). Last evaluated 2025-08-23.

Conditions:
Inborn genetic diseases. Identifiers: MedGen C0950123, MeSH D030342.

Allele frequency attached by ClinVar (database versions not stated): gnomAD exomes 0.00002 and 0.00004; ExAC 0.00003; ESP Exome Variant Server 0.00012; gnomAD 0.00013; TOPMed 0.00017; 1000 Genomes Project 0.00020; 1000 Genomes Project 30x 0.00031.
gnomAD v4.1: 48 of 1,612,922 alleles (0.003%); highest among the groups gnomAD compares: African/African-American, 0.045%; no homozygotes.

Submissions (2):

Ambry Genetics
Classification: Uncertain significance for Inborn genetic diseases. Last evaluated: 2025-08-23. Review status: criteria provided, single submitter. Criteria: Ambry Variant Classification Scheme 2023. Collection method: clinical testing. Allele origin: germline.

Labcorp Genetics (formerly Invitae), Labcorp
Classification: Uncertain significance. Last evaluated: 2022-10-16. Review status: criteria provided, single submitter. Criteria: Invitae Variant Classification Sherloc (09022015). Collection method: clinical testing. Allele origin: germline.
Comment: This sequence change replaces glutamic acid, which is acidic and polar, with lysine, which is basic and polar, at codon 1070 of the SKIV2L protein (p.Glu1070Lys). This variant is present in population databases (rs141869095, gnomAD 0.07%). This variant has not been reported in the literature in individuals affected with SKIV2L-related conditions. ClinVar contains an entry for this variant (Variation ID: 1492790). Algorithms developed to predict the effect of missense changes on protein structure and function (SIFT, PolyPhen-2, Align-GVGD) all suggest that this variant is likely to be tolerated. In summary, the available evidence is currently insufficient to determine the role of this variant in disease. Therefore, it has been classified as a Variant of Uncertain Significance.